The following is an entry in ClinVar:

ClinVar aggregate classification (germline): Likely benign. Review status: criteria provided, multiple submitters, no conflicts (2 of 4 stars). 2 submissions from 2 submitters: Likely benign (2). Last evaluated 2023-05-30.

Conditions:
RYR1-related disorder. Also called: RYR1-related disorders; RYR1-related condition. Identifiers: MedGen CN239331.
Malignant hyperthermia, susceptibility to, 1 (MHS1). Also called: Malignant hyperthermia suceptibility 1; Anesthesia related hyperthermia; Malignant hyperpyrexia; Fulminating hyperpyrexia; Pharmacogenic myopathy; RYR1-Related Malignant Hyperthermia Susceptibility. Identifiers: Orphanet 423, MedGen C2930980, MONDO:0007783, OMIM 145600.

Submissions (2):

All of Us Research Program, National Institutes of Health
Classification: Likely benign for Malignant hyperthermia, susceptibility to, 1. Last evaluated: 2023-05-30. Review status: criteria provided, single submitter. Criteria: ACMG Guidelines, 2015. Collection method: clinical testing. Allele origin: germline. Inheritance: Autosomal dominant inheritance. Observed: 1 variant allele, 1 heterozygote.
Comment: This study involves interpretation of variants in research participants for the purpose of population health screening. Participant phenotype was not available at the time of variant classification. Additional details can be found in publication PMID: 35346344, PMCID: PMC8962531

Labcorp Genetics (formerly Invitae), Labcorp
Classification: Likely benign for RYR1-related disorder. Last evaluated: 2022-10-05. Review status: criteria provided, single submitter. Criteria: Invitae Variant Classification Sherloc (09022015). Collection method: clinical testing. Allele origin: germline.

NM_000540.3(RYR1):c.13365G>A (p.Gly4455=)

Gene: RYR1 (ryanodine receptor 1; plus strand). Cytogenetic location: 19q13.2.
Variant type: single nucleotide variant.
Coding change: c.13365G>A on transcript NM_000540.3 (MANE Select); coding-DNA position 13365, G replaced by A.
Protein change: p.Gly4455=; no amino-acid change (glycine 4455 retained).
Molecular consequence: synonymous variant.
Genome position (GRCh38, 1-based): chr19:38,565,699, G>A. VCF-style: chr19-38565699-G-A. GRCh37 (hg19) VCF-style: chr19-39056339-G-A.
Other names: c.13350G>A, p.Gly4450= (NM_001042723.2).
Identifiers: ClinVar variation 1982423 (VCV001982423.5), dbSNP rs1656511589, ClinGen allele CA507244040.
Genomic context (GRCh38, chr19:38,565,699, plus strand): 5'-CGGGGCGGTGGCCGTGACCGATGGGGGCCCCTTCCGGCCCGAAGGGGCTGGCGGTCTCGG[G>A]GACATGGGGGACACGACGCCTGCGGAACCGCCCACACCCGAGGGCTCTCCCATCCTCAAG-3'
Protein context (NP_000531.2, residues 4445-4465): PFRPEGAGGL[Gly4455=]DMGDTTPAEP